The following is an entry in ClinVar:

NM_001368397.1(FRMPD4):c.2973C>G (p.His991Gln)

Gene: FRMPD4 (FERM and PDZ domain containing 4; plus strand). Cytogenetic location: Xp22.2.
Variant type: single nucleotide variant.
Coding change: c.2973C>G on transcript NM_001368397.1 (MANE Select); coding-DNA position 2973, C replaced by G.
Protein change: p.His991Gln; replaces histidine 991 with glutamine.
Molecular consequence: missense variant.
Genome position (GRCh38, 1-based): chrX:12,717,799, C>G. VCF-style: chrX-12717799-C-G. GRCh37 (hg19) VCF-style: chrX-12735918-C-G.
Other names: c.3084C>G, p.His1028Gln (NM_001368395.3, NM_001368398.3); c.2979C>G, p.His993Gln (NM_001368396.3); c.2964C>G, p.His988Gln (NM_001368399.3); c.2853C>G, p.His951Gln (NM_001368400.3); c.2949C>G, p.His983Gln (NM_001368401.1, NM_001368402.3); c.2973C>G, p.His991Gln (NM_014728.3); short protein forms H1028Q, H951Q, H983Q, H988Q, H991Q, H993Q.
Identifiers: ClinVar variation 4278817 (VCV004278817.1).

ClinVar aggregate classification (germline): Uncertain significance (1 of 4 stars; one submission).

Submission:

GeneDx
Classification: Uncertain significance. Last evaluated: 2025-04-01. Review status: criteria provided, single submitter. Criteria: GeneDx Variant Classification Process June 2021. Collection method: clinical testing. Allele origin: germline. Affected: yes.
Comment: Not observed at significant frequency in large population cohorts (gnomAD); In silico analysis indicates that this missense variant does not alter protein structure/function; Has not been previously published as pathogenic or benign to our knowledge